The following is an entry in ClinVar:

NM_005560.6(LAMA5):c.9959G>A (p.Arg3320His)

Gene: LAMA5 (laminin subunit alpha 5; minus strand). Cytogenetic location: 20q13.33.
Variant type: single nucleotide variant.
Coding change: c.9959G>A on transcript NM_005560.6 (MANE Select); coding-DNA position 9959, G replaced by A.
Protein change: p.Arg3320His; replaces arginine 3320 with histidine.
Molecular consequence: missense variant.
Genome position (GRCh38, 1-based): chr20:62,311,291, C>T on the plus strand (G>A on the coding strand, the complement: LAMA5 is on the minus strand). VCF-style: chr20-62311291-C-T. GRCh37 (hg19) VCF-style: chr20-60886347-C-T.
Other names: c.9959G>A (NM_005560.3); short protein forms R3320H.
Identifiers: ClinVar variation 2652473 (VCV002652473.26), dbSNP rs764879372, ClinGen allele CA9939981.
Genomic context (GRCh38, chr20:62,311,291, plus strand): 5'-GAGTCTCGGGTGGTCCTGAGGTGTGGGGGCAGCATGCAGGCAGGATGCCGGGCGGGCTGA[C>T]GGCTGCGGCGGGAGGCCTGGGGGCGTGGATGGTGAATGCAGGGGCCGCCCACACAGGGGC-3'
Protein context (NP_005551.3, residues 3310-3330): ATARKASRRS[Arg3320His]QPARHPACML

ClinVar aggregate classification (germline): Uncertain significance. Review status: criteria provided, multiple submitters, no conflicts (2 of 4 stars). 3 submissions from 3 submitters: Uncertain significance (3). Last evaluated 2025-02-03.

Conditions:
Inborn genetic diseases. Identifiers: MedGen C0950123, MeSH D030342.

Allele frequency attached by ClinVar (database versions not stated): ExAC 0.00001; gnomAD 0.00001; TOPMed 0.00003.

Submissions (3):

Labcorp Genetics (formerly Invitae), Labcorp
Classification: Uncertain significance. Last evaluated: 2025-02-03. Review status: criteria provided, single submitter. Criteria: Invitae Variant Classification Sherloc (09022015). Collection method: clinical testing. Allele origin: germline.
Comment: This sequence change replaces arginine, which is basic and polar, with histidine, which is basic and polar, at codon 3320 of the LAMA5 protein (p.Arg3320His). The frequency data for this variant in the population databases is considered unreliable, as metrics indicate poor data quality at this position in the gnomAD database. This variant has not been reported in the literature in individuals affected with LAMA5-related conditions. ClinVar contains an entry for this variant (Variation ID: 2652473). An algorithm developed to predict the effect of missense changes on protein structure and function outputs the following: PolyPhen-2: "Benign". The histidine amino acid residue is found in multiple mammalian species, which suggests that this missense change does not adversely affect protein function. In summary, the available evidence is currently insufficient to determine the role of this variant in disease. Therefore, it has been classified as a Variant of Uncertain Significance.

Ambry Genetics
Classification: Uncertain significance for Inborn genetic diseases. Last evaluated: 2024-06-22. Review status: criteria provided, single submitter. Criteria: Ambry Variant Classification Scheme 2023. Collection method: clinical testing. Allele origin: germline.

CeGaT Center for Human Genetics Tuebingen
Classification: Uncertain significance. Last evaluated: 2022-12-01. Review status: criteria provided, single submitter. Criteria: CeGaT Center For Human Genetics Tuebingen Variant Classification Criteria Version 2. Collection method: clinical testing. Allele origin: germline. Affected: yes. Observed: 1 variant allele.
Comment: LAMA5: PM2, BP4